The following is an entry in ClinVar:

ClinVar aggregate classification (germline): Uncertain significance. Review status: criteria provided, multiple submitters, no conflicts (2 of 4 stars). 2 submissions from 2 submitters: Uncertain significance (2). Last evaluated 2025-12-21.

Conditions:
Hereditary cancer-predisposing syndrome. Also called: Tumor predisposition; Neoplastic Syndromes, Hereditary; Hereditary Cancer Syndrome; Hereditary neoplastic syndrome. Identifiers: Orphanet 140162, MedGen C0027672, MeSH D009386, MONDO:0015356.
Ataxia-telangiectasia-like disorder (ATLD). Identifiers: MedGen C1858391, MONDO:0011457.

Submissions (2):

Ambry Genetics
Classification: Uncertain significance for Hereditary cancer-predisposing syndrome. Last evaluated: 2025-12-21. Review status: criteria provided, single submitter. Criteria: Ambry Variant Classification Scheme 2023. Collection method: clinical testing. Allele origin: germline.
Comment: The p.T481I variant (also known as c.1442C>T), located in coding exon 12 of the MRE11A gene, results from a C to T substitution at nucleotide position 1442. The threonine at codon 481 is replaced by isoleucine, an amino acid with similar properties. This amino acid position is highly conserved in available vertebrate species. In addition, this alteration is predicted to be deleterious by in silico analysis. Since supporting evidence is limited at this time, the clinical significance of this alteration remains unclear.

Labcorp Genetics (formerly Invitae), Labcorp
Classification: Uncertain significance for Ataxia-telangiectasia-like disorder. Last evaluated: 2023-03-29. Review status: criteria provided, single submitter. Criteria: Invitae Variant Classification Sherloc (09022015). Collection method: clinical testing. Allele origin: germline.
Comment: This sequence change replaces threonine, which is neutral and polar, with isoleucine, which is neutral and non-polar, at codon 481 of the MRE11 protein (p.Thr481Ile). This variant is not present in population databases (gnomAD no frequency). This missense change has been observed in individual(s) with breast cancer (PMID: 24894818). ClinVar contains an entry for this variant (Variation ID: 819228). An algorithm developed to predict the effect of missense changes on protein structure and function (PolyPhen-2) suggests that this variant is likely to be disruptive. This variant disrupts the p.Thr481 amino acid residue in MRE11. Other variant(s) that disrupt this residue have been determined to be pathogenic (PMID: 15269180). This suggests that this residue is clinically significant, and that variants that disrupt this residue are likely to be disease-causing. In summary, the available evidence is currently insufficient to determine the role of this variant in disease. Therefore, it has been classified as a Variant of Uncertain Significance.

Literature cited by the submitters: PubMed 24894818 (cited by Labcorp Genetics (formerly Invitae), Labcorp); PubMed 15269180 (cited by Labcorp Genetics (formerly Invitae), Labcorp).

NM_005591.4(MRE11):c.1442C>T (p.Thr481Ile)

Gene: MRE11 (MRE11 double strand break repair nuclease; minus strand). Cytogenetic location: 11q21.
Variant type: single nucleotide variant.
Coding change: c.1442C>T on transcript NM_005591.4 (MANE Select); coding-DNA position 1442, C replaced by T.
Protein change: p.Thr481Ile; replaces threonine 481 with isoleucine.
Molecular consequence: missense variant.
Genome position (GRCh38, 1-based): chr11:94,459,466, G>A on the plus strand (C>T on the coding strand, the complement: MRE11 is on the minus strand). VCF-style: chr11-94459466-G-A. GRCh37 (hg19) VCF-style: chr11-94192632-G-A.
Other names: c.1442C>T, p.Thr481Ile (NM_001330347.2, NM_005590.4); short protein forms T481I.
Identifiers: ClinVar variation 819228 (VCV000819228.13), dbSNP rs137852762, ClinGen allele CA382371799.